The following is an entry in ClinVar:

NM_031885.5(BBS2):c.534+1G>C

Gene: BBS2 (Bardet-Biedl syndrome 2; minus strand). Cytogenetic location: 16q13.
Variant type: single nucleotide variant.
Coding change: c.534+1G>C on transcript NM_031885.5 (MANE Select); the canonical splice donor site of the intron after coding-DNA position 534, G replaced by C.
Molecular consequence: splice donor variant.
Genome position (GRCh38, 1-based): chr16:56,510,858, C>G on the plus strand (G>C on the coding strand, the complement: BBS2 is on the minus strand). VCF-style: chr16-56510858-C-G. GRCh37 (hg19) VCF-style: chr16-56544770-C-G.
Other names: c.534+1G>C (NM_001377456.1).
Identifiers: ClinVar variation 4991973 (VCV004991973.1).

ClinVar aggregate classification (germline): Likely pathogenic (1 of 4 stars; one submission).

Conditions:
BBS2-related disorder. Also called: BBS2-related disorders; BBS2-related condition. Identifiers: MedGen CN239228.

Submission:

PreventionGenetics, part of Exact Sciences
Classification: Likely pathogenic for BBS2-related condition. Last evaluated: 2026-05-06. Review status: criteria provided, single submitter. Criteria: ACMG Guidelines, 2015. Collection method: clinical testing. Allele origin: germline.
Comment: The BBS2 c.534+1G>C variant is predicted to disrupt the GT donor site and interfere with normal splicing. This variant was reported in an individual with Bardet-Biedl syndrome (reported as IVS4+1G>C, Katsanis et al. 2001. PubMed ID: 11567139). This variant has not been reported in a large population database (gnomAD), indicating this variant is rare. An alternate nucleotide change at this location (c.534+1G>T) has been reported in individuals with Bardet-Biedl syndrome (Huang et al. 2021. PubMed ID: 33520300; Meng et al. 2021. PubMed ID: 33777945). Variants that disrupt the consensus splice donor site in BBS2 are expected to be pathogenic. The c.534+1G>C variant is interpreted as likely pathogenic.